The following is an entry in ClinVar:

NM_000264.5(PTCH1):c.3000C>G (p.Asn1000Lys)

Gene: PTCH1 (patched 1; minus strand). Cytogenetic location: 9q22.32.
Variant type: single nucleotide variant.
Coding change: c.3000C>G on transcript NM_000264.5 (MANE Select); coding-DNA position 3000, C replaced by G.
Protein change: p.Asn1000Lys; replaces asparagine 1000 with lysine.
Molecular consequence: missense variant. On other transcripts: non-coding transcript variant (1).
Genome position (GRCh38, 1-based): chr9:95,458,181, G>C on the plus strand (C>G on the coding strand, the complement: PTCH1 is on the minus strand). VCF-style: chr9-95458181-G-C. GRCh37 (hg19) VCF-style: chr9-98220463-G-C.
Other names: c.2802C>G, p.Asn934Lys (NM_001083602.3); c.2997C>G, p.Asn999Lys (NM_001083603.3); c.2547C>G, p.Asn849Lys (NM_001083604.3, NM_001083605.3, NM_001083606.3 and 1 more transcripts); c.2844C>G, p.Asn948Lys (NM_001354918.2); c.3000C>G (NM_000264.3); short protein forms N1000K, N999K, N849K, N934K, N948K.
Identifiers: ClinVar variation 1449011 (VCV001449011.9), dbSNP rs2136661651, ClinGen allele CA374112603.

ClinVar aggregate classification (germline): Uncertain significance. Review status: criteria provided, multiple submitters, no conflicts (2 of 4 stars). 2 submissions from 2 submitters: Uncertain significance (2). Last evaluated 2025-02-22.

Conditions:
Gorlin syndrome. Also called: Basal cell nevus syndrome; Nevoid Basal Cell Carcinoma Syndrome. Identifiers: Orphanet 377, MedGen C0004779, MONDO:0007187.
Hereditary cancer-predisposing syndrome. Also called: Tumor predisposition; Hereditary neoplastic syndrome; Hereditary Cancer Syndrome; Neoplastic Syndromes, Hereditary. Identifiers: Orphanet 140162, MedGen C0027672, MeSH D009386, MONDO:0015356.

Submissions (2):

Ambry Genetics
Classification: Uncertain significance for Hereditary cancer-predisposing syndrome. Last evaluated: 2025-02-22. Review status: criteria provided, single submitter. Criteria: Ambry Variant Classification Scheme 2023. Collection method: clinical testing. Allele origin: germline.
Comment: The p.N1000K variant (also known as c.3000C>G), located in coding exon 18 of the PTCH1 gene, results from a C to G substitution at nucleotide position 3000. The asparagine at codon 1000 is replaced by lysine, an amino acid with similar properties. This amino acid position is conserved. In addition, this alteration is predicted to be tolerated by in silico analysis. Based on the available evidence, the clinical significance of this variant remains unclear.

Labcorp Genetics (formerly Invitae), Labcorp
Classification: Uncertain significance for Gorlin syndrome. Last evaluated: 2024-04-15. Review status: criteria provided, single submitter. Criteria: Invitae Variant Classification Sherloc (09022015). Collection method: clinical testing. Allele origin: germline.
Comment: This sequence change replaces asparagine, which is neutral and polar, with lysine, which is basic and polar, at codon 1000 of the PTCH1 protein (p.Asn1000Lys). This variant is not present in population databases (gnomAD no frequency). This variant has not been reported in the literature in individuals affected with PTCH1-related conditions. ClinVar contains an entry for this variant (Variation ID: 1449011). Advanced modeling of protein sequence and biophysical properties (such as structural, functional, and spatial information, amino acid conservation, physicochemical variation, residue mobility, and thermodynamic stability) performed at Invitae indicates that this missense variant is not expected to disrupt PTCH1 protein function with a negative predictive value of 95%. In summary, the available evidence is currently insufficient to determine the role of this variant in disease. Therefore, it has been classified as a Variant of Uncertain Significance.